The following is an entry in ClinVar:

NM_032043.3(BRIP1):c.2303G>A (p.Gly768Asp)

Gene: BRIP1 (BRCA1 interacting DNA helicase 1; minus strand). Cytogenetic location: 17q23.2.
Variant type: single nucleotide variant.
Coding change: c.2303G>A on transcript NM_032043.3 (MANE Select); coding-DNA position 2303, G replaced by A.
Protein change: p.Gly768Asp; replaces glycine 768 with aspartic acid.
Molecular consequence: missense variant.
Genome position (GRCh38, 1-based): chr17:61,743,089, C>T on the plus strand (G>A on the coding strand, the complement: BRIP1 is on the minus strand). VCF-style: chr17-61743089-C-T. GRCh37 (hg19) VCF-style: chr17-59820450-C-T.
Other names: short protein forms G768D.
Identifiers: ClinVar variation 1789323 (VCV001789323.2), dbSNP rs1603303846, ClinGen allele CA400482677.

ClinVar aggregate classification (germline): Uncertain significance (1 of 4 stars; one submission).

Conditions:
Hereditary cancer-predisposing syndrome. Also called: Hereditary Cancer Syndrome; Hereditary neoplastic syndrome; Tumor predisposition; Neoplastic Syndromes, Hereditary. Identifiers: Orphanet 140162, MedGen C0027672, MeSH D009386, MONDO:0015356.

Submission:

Ambry Genetics
Classification: Uncertain significance for Hereditary cancer-predisposing syndrome. Last evaluated: 2021-10-25. Review status: criteria provided, single submitter. Criteria: Ambry Variant Classification Scheme 2023. Collection method: clinical testing. Allele origin: germline.
Comment: The p.G768D variant (also known as c.2303G>A), located in coding exon 15 of the BRIP1 gene, results from a G to A substitution at nucleotide position 2303. The glycine at codon 768 is replaced by aspartic acid, an amino acid with similar properties. This amino acid position is conserved. In addition, this alteration is predicted to be deleterious by in silico analysis. Since supporting evidence is limited at this time, the clinical significance of this alteration remains unclear.